The following is an entry in ClinVar:

ClinVar aggregate classification (germline): Conflicting classifications of pathogenicity. Review status: criteria provided, conflicting classifications (1 of 4 stars). 5 submissions from 5 submitters: Likely pathogenic (1); Uncertain significance (3). 1 of the submissions does not count toward it. Last evaluated 2025-04-24.

Conditions:
Autosomal recessive nonsyndromic hearing loss 23. Identifiers: Orphanet 90636, MedGen C1836027, MONDO:0012293, OMIM 609533.
Usher syndrome type 1F (USH1F). Also called: USHER SYNDROME, TYPE IF. Identifiers: Orphanet 231169, Orphanet 886, MedGen C1865885, MONDO:0011186, OMIM 602083.

Allele frequency attached by ClinVar (database versions not stated): gnomAD exomes below 0.00001 and 0.00001; TOPMed 0.00001; ExAC 0.00002.
gnomAD v4.1: 3 of 1,614,094 alleles (0.00019%); highest among the groups gnomAD compares: East Asian, 0.0045%; no homozygotes.

Submissions (5):

GeneDx
Classification: Uncertain significance. Last evaluated: 2025-04-24. Review status: criteria provided, single submitter. Criteria: GeneDx Variant Classification Process June 2021. Collection method: clinical testing. Allele origin: germline. Affected: yes.
Comment: In silico analysis supports that this missense variant has a deleterious effect on protein structure/function; This variant is associated with the following publications: (PMID: 31992338, 23767834)

Baylor Genetics
Classification: Likely pathogenic for Autosomal recessive nonsyndromic hearing loss 23. Last evaluated: 2024-01-24. Review status: criteria provided, single submitter. Criteria: ACMG Guidelines, 2015. Collection method: clinical testing. Allele origin: unknown.

Broad Center for Mendelian Genomics, Broad Institute of MIT and Harvard
Classification: Uncertain significance for Usher syndrome type 1F. Last evaluated: 2023-01-24. Review status: criteria provided, single submitter. Criteria: ACMG Guidelines, 2015. Collection method: curation. Allele origin: germline. Inheritance: Autosomal recessive inheritance.
Comment: The p.Thr1373Ile variant in PCDH15 has been reported in 2 individuals, in the compound heterozygous state, with Usher syndrome type 1F (PMID: 23767834) and has been identified in 0.02% (3/18394) of East Asian chromosomes by the Genome Aggregation Database (gnomAD; dbSNP ID: rs756490783). Although this variant has been seen in the general population in a heterozygous state, its frequency is not high enough to rule out a pathogenic role. This variant has also been reported in ClinVar (Variation ID#: 556004) and has been interpreted as a variant of uncertain significance by Counsyl. Computational prediction tools and conservation analyses do not provide strong support for or against an impact to the protein. In summary, the clinical significance of the p.Thr1373Ile variant is uncertain. ACMG/AMP Criteria applied: none (Richards 2015).

Blueprint Genetics
Classification: Uncertain significance. Last evaluated: 2020-07-16. Review status: criteria provided, single submitter. Criteria: ACMG Guidelines, 2015. Collection method: clinical testing. Allele origin: germline.

Counsyl
Classification: Uncertain significance for Usher syndrome type 1F. Last evaluated: 2018-01-05. Review status: no assertion criteria provided. Collection method: clinical testing. Allele origin: unknown. Not counted in ClinVar's aggregate classification.

Literature cited by the submitters: PubMed 23767834 (cited by Counsyl).

NM_001384140.1(PCDH15):c.4118C>T (p.Thr1373Ile)

Gene: PCDH15 (protocadherin related 15; minus strand). Cytogenetic location: 10q21.1.
Variant type: single nucleotide variant.
Coding change: c.4118C>T on transcript NM_001384140.1 (MANE Select); coding-DNA position 4118, C replaced by T.
Protein change: p.Thr1373Ile; replaces threonine 1373 with isoleucine.
Molecular consequence: missense variant.
Genome position (GRCh38, 1-based): chr10:53,831,399, G>A on the plus strand (C>T on the coding strand, the complement: PCDH15 is on the minus strand). VCF-style: chr10-53831399-G-A. GRCh37 (hg19) VCF-style: chr10-55591159-G-A.
Other names: NM_001384140.1(PCDH15):c.4118C>T; p.Thr1373Ile; c.4133C>T, p.Thr1378Ile (NM_001142763.2, NM_001142771.2); c.4118C>T, p.Thr1373Ile (NM_001142764.2, NM_001142766.2, NM_001142770.3 and 4 more transcripts); c.3905C>T, p.Thr1302Ile (NM_001142765.2); c.4007C>T, p.Thr1336Ile (NM_001142767.2); c.4052C>T, p.Thr1351Ile (NM_001142768.2, NM_001142773.2, NM_001354404.2); c.4154C>T, p.Thr1385Ile (NM_001142769.4); and 1 more; short protein forms T1373I, T1302I, T1351I, T1385I, T1336I, T1378I, T1380I.
Identifiers: ClinVar variation 556004 (VCV000556004.7), dbSNP rs756490783, ClinGen allele CA5505465.
Genomic context (GRCh38, chr10:53,831,399, plus strand): 5'-AAGATGGCAGGAATGCAGCAGAGGATGATGATGAAGGCCAGAGCCAACAAGGCCCCTTCT[G>A]TGTATCCTAGACTTTCTCCTCTCTTTTTAATGCTGGTCACTGCCTCTGGAGTCCGGATCT-3'
Protein context (NP_001371069.1, residues 1363-1383): IKKRGESLGY[Thr1373Ile]EGALLALAFI